The following is an entry in ClinVar:

ClinVar aggregate classification (germline): Uncertain significance (1 of 4 stars; one submission).

Allele frequency attached by ClinVar (database versions not stated): gnomAD 0.00001; 1000 Genomes Project 0.00020; 1000 Genomes Project 30x 0.00031.

Submission:

Labcorp Genetics (formerly Invitae), Labcorp
Classification: Uncertain significance. Last evaluated: 2023-04-07. Review status: criteria provided, single submitter. Criteria: Invitae Variant Classification Sherloc (09022015). Collection method: clinical testing. Allele origin: germline.
Comment: In summary, the available evidence is currently insufficient to determine the role of this variant in disease. Therefore, it has been classified as a Variant of Uncertain Significance. Algorithms developed to predict the effect of missense changes on protein structure and function output the following: SIFT: "Not Available"; PolyPhen-2: "Probably Damaging"; Align-GVGD: "Not Available". The serine amino acid residue is found in multiple mammalian species, which suggests that this missense change does not adversely affect protein function. This variant has not been reported in the literature in individuals affected with ESPN-related conditions. This variant is present in population databases (rs576644460, gnomAD 0.007%). This sequence change replaces proline, which is neutral and non-polar, with serine, which is neutral and polar, at codon 416 of the ESPN protein (p.Pro416Ser).

NM_031475.3(ESPN):c.1246C>T (p.Pro416Ser)

Gene: ESPN (espin; plus strand). Cytogenetic location: 1p36.31.
Variant type: single nucleotide variant.
Coding change: c.1246C>T on transcript NM_031475.3 (MANE Select); coding-DNA position 1246, C replaced by T.
Protein change: p.Pro416Ser; replaces proline 416 with serine.
Molecular consequence: missense variant.
Genome position (GRCh38, 1-based): chr1:6,445,717, C>T. VCF-style: chr1-6445717-C-T. GRCh37 (hg19) VCF-style: chr1-6505777-C-T.
Other names: c.1246C>T, p.Pro416Ser (NM_001367473.1, NM_001367474.1); short protein forms P416S.
Identifiers: ClinVar variation 2981682 (VCV002981682.3), dbSNP rs576644460, ClinGen allele CA17208183.